The following is an entry in ClinVar:

ClinVar aggregate classification (germline): Pathogenic (1 of 4 stars; one submission).

Submission:

GeneDx
Classification: Pathogenic. Last evaluated: 2020-06-25. Review status: criteria provided, single submitter. Criteria: GeneDx Variant Classification Process June 2021. Collection method: clinical testing. Allele origin: germline. Affected: yes.
Comment: Has not been previously published as pathogenic or benign to our knowledge; Not observed in large population cohorts (Lek et al., 2016); Frameshift variant predicted to result in protein truncation or nonsense mediated decay in a gene for which loss-of-function is a known mechanism of disease

NM_001267550.2(TTN):c.78241_78247del (p.Glu26081fs)

Genes: TTN (titin; minus strand), TTN-AS1 (TTN antisense RNA 1; plus strand). Cytogenetic location: 2q31.2.
Variant type: Deletion.
Coding change: c.78241_78247del on transcript NM_001267550.2 (MANE Select); coding-DNA positions 78241 to 78247, 7 bases deleted (GAATGCT; older notation c.78241_78247delGAATGCT).
Protein change: p.Glu26081fs; shifts the reading frame from glutamic acid 26081.
Molecular consequence: frameshift variant.
Genome position (GRCh38, 1-based): chr2:178,567,885-178,567,891, AGCATTC deleted on the plus strand (GAATGCT on the coding strand, the reverse complement: TTN is on the minus strand); deleting any 7 consecutive bases within chr2:178,567,885-178,567,893 gives the same sequence; the c. name uses the placement nearest the transcript's 3' end. VCF-style (leftmost placement, unchanged base first): chr2-178567884-TAGCATTC-T. GRCh37 (hg19) VCF-style: chr2-179432611-TAGCATTC-T.
Other names: c.51046_51052del, p.Glu17016fs (NM_003319.4); c.70537_70543del, p.Glu23513fs (NM_133378.4); c.51421_51427del, p.Glu17141fs (NM_133432.3); c.51622_51628del, p.Glu17208fs (NM_133437.4); c.73318_73324del, p.Glu24440fs (NM_001256850.1); c.73318_73324delGAATGCT (NM_001256850.1); short protein forms E17016fs, E17141fs, E17208fs, E23513fs, E24440fs, E26081fs.
Identifiers: ClinVar variation 1200363 (VCV001200363.3), dbSNP rs2154166598, ClinGen allele CA2499215354.